The following is an entry in ClinVar:

ClinVar aggregate classification (germline): Uncertain significance (1 of 4 stars; one submission).

Submission:

Labcorp Genetics (formerly Invitae), Labcorp
Classification: Uncertain significance. Last evaluated: 2022-08-09. Review status: criteria provided, single submitter. Criteria: Invitae Variant Classification Sherloc (09022015). Collection method: clinical testing. Allele origin: germline.
Comment: This sequence change replaces valine, which is neutral and non-polar, with glycine, which is neutral and non-polar, at codon 973 of the USP53 protein (p.Val973Gly). This variant is not present in population databases (gnomAD no frequency). This variant has not been reported in the literature in individuals affected with USP53-related conditions. Algorithms developed to predict the effect of missense changes on protein structure and function output the following: SIFT: "Tolerated"; PolyPhen-2: "Benign"; Align-GVGD: "Class C0". The glycine amino acid residue is found in multiple mammalian species, which suggests that this missense change does not adversely affect protein function. In summary, the available evidence is currently insufficient to determine the role of this variant in disease. Therefore, it has been classified as a Variant of Uncertain Significance.

NM_001371395.1(USP53):c.2918T>G (p.Val973Gly)

Gene: USP53 (ubiquitin specific peptidase 53; plus strand). Cytogenetic location: 4q26.
Variant type: single nucleotide variant.
Coding change: c.2918T>G on transcript NM_001371395.1 (MANE Select); coding-DNA position 2918, T replaced by G.
Protein change: p.Val973Gly; replaces valine 973 with glycine.
Molecular consequence: missense variant. On other transcripts: 3 prime UTR variant (4).
Genome position (GRCh38, 1-based): chr4:119,292,907, T>G. VCF-style: chr4-119292907-T-G. GRCh37 (hg19) VCF-style: chr4-120214062-T-G.
Other names: c.2765T>G, p.Val922Gly (NM_001371396.1, NM_001389661.1); c.*418T>G (NM_001371397.1, NM_001371398.1, NM_001389666.1 and 1 more transcripts); c.2918T>G, p.Val973Gly (NM_001371399.1, NM_001389658.1, NM_001389659.1 and 1 more transcripts); c.2768T>G, p.Val923Gly (NM_001389660.1); c.2570T>G, p.Val857Gly (NM_001389662.1, NM_001389663.1, NM_001389664.1); c.2417T>G, p.Val806Gly (NM_001389665.1); short protein forms V973G, V806G, V857G, V922G, V923G.
Identifiers: ClinVar variation 2096876 (VCV002096876.1), dbSNP rs1237815288, ClinGen allele CA358040743.